The following is an entry in ClinVar:

NM_000238.4(KCNH2):c.2713_2726delinsCA (p.Val905_Gly909delinsGln)

Gene: KCNH2 (potassium voltage-gated channel subfamily H member 2; minus strand). Cytogenetic location: 7q36.1.
Variant type: Indel.
Coding change: c.2713_2726delinsCA on transcript NM_000238.4 (MANE Select); coding-DNA positions 2713 to 2726, GTGTCGGCCTTGGG replaced by CA.
Protein change: p.Val905_Gly909delinsGln.
Molecular consequence: inframe indel.
Genome position (GRCh38, 1-based): chr7:150,947,845-150,947,858, CCCAAGGCCGACAC replaced by TG on the plus strand (GTGTCGGCCTTGGG replaced by CA on the coding strand, the reverse complement: KCNH2 is on the minus strand). VCF-style: chr7-150947845-CCCAAGGCCGACAC-TG. GRCh37 (hg19) VCF-style: chr7-150644933-CCCAAGGCCGACAC-TG.
Other names: c.1693_1706delinsCA, p.Val565_Gly569delinsGln (NM_172057.3).
Identifiers: ClinVar variation 921404 (VCV000921404.5), dbSNP rs1800974049, ClinGen allele CA1139660336.
Genomic context (GRCh38, chr7:150,947,845, plus strand): 5'-TCCCCCCACGGCCCCCCCGGCCGGCCCCGGCTACTCGGCCCTGCCCCCGCCCGGCCCGGC[CCCAAGGCCGACAC>TG]CTCCCCTGGCTGCTCCGTGTCTGTGGGAAACAGAGAATGGGCCTCAGAGAGGGGAGGAGA-3'

ClinVar aggregate classification (germline): Uncertain significance (1 of 4 stars; one submission).

Conditions:
Cardiac arrhythmia. Also called: Cardiac rhythm disease; Arrhythmia. Identifiers: MedGen C0003811, MONDO:0007263, HP:0011675.

Submission:

Color Diagnostics, LLC DBA Color Health
Classification: Uncertain significance for Cardiac arrhythmia. Last evaluated: 2020-02-03. Review status: criteria provided, single submitter. Criteria: ACMG Guidelines, 2015. Collection method: clinical testing. Allele origin: germline.
Comment: This variant causes in-frame deletion of 5 amino acids and insertion of 1 amino acid at exon 12 of the KCNH2 protein. Splice site prediction tools suggest that this variant may not impact RNA splicing. To our knowledge, functional studies have not been performed for this variant. This variant has not been reported in individuals affected with cardiovascular disorders in the literature. This variant has not been identified in the general population by the Genome Aggregation Database (gnomAD). The available evidence is insufficient to determine the role of this variant in disease conclusively. Therefore, this variant is classified as a Variant of Uncertain Significance.